The following is an entry in ClinVar:

NM_001142800.2(EYS):c.4452G>A (p.Trp1484Ter)

Gene: EYS (EGF-like photoreceptor maintenance factor; minus strand). Cytogenetic location: 6q12.
Variant type: single nucleotide variant.
Coding change: c.4452G>A on transcript NM_001142800.2 (MANE Select); coding-DNA position 4452, G replaced by A.
Protein change: p.Trp1484Ter; replaces tryptophan 1484 with a stop codon.
Molecular consequence: nonsense.
Genome position (GRCh38, 1-based): chr6:64,591,415, C>T on the plus strand (G>A on the coding strand, the complement: EYS is on the minus strand). VCF-style: chr6-64591415-C-T. GRCh37 (hg19) VCF-style: chr6-65301308-C-T.
Other names: c.4452G>A, p.Trp1484Ter (NM_001292009.2); short protein forms W1484*.
Identifiers: ClinVar variation 1071588 (VCV001071588.9), dbSNP rs1428994453, ClinGen allele CA364783294.

ClinVar aggregate classification (germline): Pathogenic. Review status: criteria provided, multiple submitters, no conflicts (2 of 4 stars). 3 submissions from 3 submitters: Pathogenic (3). Last evaluated 2025-05-05.

Conditions:
Retinal dystrophy. Also called: Inherited retinal dystrophy. Identifiers: Orphanet 71862, MedGen C0854723, MeSH D058499, MONDO:0019118, HP:0000556.
Retinitis pigmentosa 25 (RP25). Identifiers: Orphanet 791, MedGen C1864446, MONDO:0011272, OMIM 602772.

Allele frequency attached by ClinVar (database versions not stated): gnomAD 0.00001; TOPMed below 0.00001.
gnomAD v4.1: 1 of 1,551,166 alleles (0.000064%); highest among the groups gnomAD compares: African/African-American, 0.0014%; no homozygotes.

Submissions (3):

Labcorp Genetics (formerly Invitae), Labcorp
Classification: Pathogenic. Last evaluated: 2025-05-05. Review status: criteria provided, single submitter. Criteria: Invitae Variant Classification Sherloc (09022015). Collection method: clinical testing. Allele origin: germline.
Comment: This sequence change creates a premature translational stop signal (p.Trp1484*) in the EYS gene. It is expected to result in an absent or disrupted protein product. Loss-of-function variants in EYS are known to be pathogenic (PMID: 18836446, 20333770). This variant is not present in population databases (gnomAD no frequency). This variant has not been reported in the literature in individuals affected with EYS-related conditions. ClinVar contains an entry for this variant (Variation ID: 1071588). For these reasons, this variant has been classified as Pathogenic.

Myriad Genetics, Inc.
Classification: Pathogenic for Retinitis pigmentosa 25. Last evaluated: 2024-05-08. Review status: criteria provided, single submitter. Criteria: Myriad Autosomal Dominant, Autosomal Recessive and X-Linked Classification Criteria (2023). Collection method: clinical testing. Allele origin: unknown.
Comment: NM_001142800.1(EYS):c.4452G>A(W1484*) is expected to be pathogenic in the context of retinitis pigmentosa, EYS-related. This variant is predicted to lead to an abnormal or absent protein product due to the creation of a premature termination codon in EYS, a gene where loss-of-function variants are known to be pathogenic. Please note: this variant was assessed in the context of healthy population screening.

Dept Of Ophthalmology, Nagoya University
Classification: Pathogenic for Retinal dystrophy. Last evaluated: 2023-10-01. Review status: criteria provided, single submitter. Criteria: Submitter's publication. Collection method: research. Allele origin: germline. Affected: yes.

Literature cited by the submitters: PubMed 18836446 (cited by Labcorp Genetics (formerly Invitae), Labcorp); PubMed 20333770 (cited by Labcorp Genetics (formerly Invitae), Labcorp).